The following is an entry in ClinVar:

ClinVar aggregate classification (germline): Pathogenic/Likely pathogenic. Review status: criteria provided, multiple submitters, no conflicts (2 of 4 stars). 2 submissions from 2 submitters: Pathogenic (1); Likely pathogenic (1). Last evaluated 2024-03-27.

Conditions:
Autosomal dominant Alport syndrome (ATS3A). Also called: ALPORT SYNDROME 3A, AUTOSOMAL DOMINANT; Alport syndrome dominant type; Renal failure and sensorineural hearing loss. Identifiers: Orphanet 63, Orphanet 88918, MedGen C5882663, MONDO:0007086, OMIM 104200.
Hematuria, benign familial, 2 (BFH2). Identifiers: MedGen C5830421, MONDO:0958186, OMIM 620320.
Alport syndrome 3b, autosomal recessive. Identifiers: MedGen C5882699, MONDO:0957811, OMIM 620536.

Submissions (2):

Fulgent Genetics
Classification: Likely pathogenic for Autosomal dominant Alport syndrome; Hematuria, benign familial, 2; Alport syndrome 3b, autosomal recessive. Last evaluated: 2024-03-27. Review status: criteria provided, single submitter. Criteria: ACMG Guidelines, 2015. Collection method: clinical testing. Allele origin: germline.

Labcorp Genetics (formerly Invitae), Labcorp
Classification: Pathogenic. Last evaluated: 2023-09-04. Review status: criteria provided, single submitter. Criteria: Invitae Variant Classification Sherloc (09022015). Collection method: clinical testing. Allele origin: germline.
Comment: For these reasons, this variant has been classified as Pathogenic. Algorithms developed to predict the effect of sequence changes on RNA splicing suggest that this variant may disrupt the consensus splice site. This variant has not been reported in the literature in individuals affected with COL4A3-related conditions. This sequence change creates a premature translational stop signal (p.Val231Cysfs*23) in the COL4A3 gene. It is expected to result in an absent or disrupted protein product. Loss-of-function variants in COL4A3 are known to be pathogenic (PMID: 8956999, 24854265, 26809805, 27281700). This variant is not present in population databases (gnomAD no frequency).

Literature cited by the submitters: PubMed 8956999 (cited by Labcorp Genetics (formerly Invitae), Labcorp); PubMed 24854265 (cited by Labcorp Genetics (formerly Invitae), Labcorp); PubMed 26809805 (cited by Labcorp Genetics (formerly Invitae), Labcorp); PubMed 27281700 (cited by Labcorp Genetics (formerly Invitae), Labcorp).

NM_000091.5(COL4A3):c.689dup

Genes: MFF-DT (MFF divergent transcript; minus strand), COL4A3 (collagen type IV alpha 3 chain; plus strand). Cytogenetic location: 2q36.3.
Variant type: Duplication.
Coding change: c.689dup on transcript NM_000091.5 (MANE Select); coding-DNA position 689, one base duplicated (G; older notation c.689dupG).
Genome position (GRCh38, 1-based): chr2:227,253,562, G duplicated; the last of 3 consecutive G bases (chr2:227,253,560-227,253,562); duplicating any one gives the same sequence. VCF-style (leftmost placement, unchanged base first): chr2-227253559-A-AG. GRCh37 (hg19) VCF-style: chr2-228118275-A-AG.
Identifiers: ClinVar variation 2806524 (VCV002806524.4), dbSNP rs2469563027, ClinGen allele CA2663418396.
Genomic context (GRCh38, chr2:227,253,559, plus strand): 5'-AGTAACATTGAAATGTTGATGCTGTTGTTTATTTTCTCACTCCTGAGTGTTTTTGTCTTT[A>AG]GGGTGTGAAAGGGTTAACAGGACCCCCGGGACCACCAGGAACAGTTATTGTGACCCTAAC-3'